The following is an entry in ClinVar:

ClinVar aggregate classification (germline): Uncertain significance (1 of 4 stars; one submission).

Allele frequency attached by ClinVar (database versions not stated): gnomAD exomes below 0.00001 and 0.00001.

Submission:

GeneDx
Classification: Uncertain significance. Last evaluated: 2019-08-12. Review status: criteria provided, single submitter. Criteria: GeneDx Variant Classification Process June 2021. Collection method: clinical testing. Allele origin: germline. Affected: yes.
Comment: Not observed at a significant frequency in large population cohorts (Lek et al., 2016); In-frame insertion of 1 amino acids in a non-repeat region; Has not been previously published as pathogenic or benign to our knowledge

NM_001478.5(B4GALNT1):c.1162_1164dup (p.Glu388dup)

Gene: B4GALNT1 (beta-1,4-N-acetyl-galactosaminyltransferase 1; minus strand). Cytogenetic location: 12q13.3.
Variant type: Duplication.
Coding change: c.1162_1164dup on transcript NM_001478.5 (MANE Select); coding-DNA positions 1162 to 1164, 3 bases duplicated (GAG; older notation c.1162_1164dupGAG).
Protein change: p.Glu388dup; duplicates glutamic acid 388.
Molecular consequence: inframe insertion.
Genome position (GRCh38, 1-based): chr12:57,627,838-57,627,840, CTC duplicated on the plus strand (GAG on the coding strand, the reverse complement: B4GALNT1 is on the minus strand). VCF-style (leftmost placement, unchanged base first): chr12-57627837-T-TCTC. GRCh37 (hg19) VCF-style: chr12-58021620-T-TCTC.
Other names: c.997_999dup, p.Glu333dup (NM_001276468.2); c.1162_1164dupGAG (NM_001478.4).
Identifiers: ClinVar variation 972954 (VCV000972954.4), dbSNP rs1333871469, ClinGen allele CA605706123.